The following is an entry in ClinVar:

NM_030962.4(SBF2):c.5249T>C (p.Leu1750Pro)

Genes: SBF2 (SET binding factor 2; minus strand), SBF2-AS1 (SBF2 antisense RNA 1; plus strand), LOC105369149 (uncharacterized LOC105369149; plus strand). Cytogenetic location: 11p15.4.
Variant type: single nucleotide variant.
Coding change: c.5249T>C on transcript NM_030962.4 (MANE Select); coding-DNA position 5249, T replaced by C.
Protein change: p.Leu1750Pro; replaces leucine 1750 with proline.
Molecular consequence: missense variant.
Genome position (GRCh38, 1-based): chr11:9,784,421, A>G on the plus strand (T>C on the coding strand, the complement: SBF2 is on the minus strand). VCF-style: chr11-9784421-A-G. GRCh37 (hg19) VCF-style: chr11-9805968-A-G.
Other names: c.5345T>C, p.Leu1782Pro (NM_001386339.1); c.5120T>C, p.Leu1707Pro (NM_001386342.1); short protein forms L1750P, L1707P, L1782P.
Identifiers: ClinVar variation 963877 (VCV000963877.10), dbSNP rs1852233208, ClinGen allele CA379631367.

ClinVar aggregate classification (germline): Uncertain significance (1 of 4 stars; one submission).

Conditions:
Charcot-Marie-Tooth disease type 4. Also called: Charcot-Marie-Tooth disease, type IV; Charcot-Marie-Tooth, Type 4. Identifiers: Orphanet 64749, MedGen C4082197, MONDO:0018995.

Submission:

Labcorp Genetics (formerly Invitae), Labcorp
Classification: Uncertain significance for Charcot-Marie-Tooth disease type 4. Last evaluated: 2019-10-22. Review status: criteria provided, single submitter. Criteria: Invitae Variant Classification Sherloc (09022015). Collection method: clinical testing. Allele origin: germline.
Comment: This variant has not been reported in the literature in individuals with SBF2-related conditions. Algorithms developed to predict the effect of missense changes on protein structure and function are either unavailable or do not agree on the potential impact of this missense change (SIFT: "Deleterious"; PolyPhen-2: "Probably Damaging"; Align-GVGD: "Class C0"). This variant is not present in population databases (ExAC no frequency). This sequence change replaces leucine with proline at codon 1750 of the SBF2 protein (p.Leu1750Pro). The leucine residue is highly conserved and there is a moderate physicochemical difference between leucine and proline. In summary, the available evidence is currently insufficient to determine the role of this variant in disease. Therefore, it has been classified as a Variant of Uncertain Significance.